The following is an entry in ClinVar:

ClinVar aggregate classification (germline): Uncertain significance (1 of 4 stars; one submission).

Conditions:
Emery-Dreifuss muscular dystrophy 5, autosomal dominant (EDMD5). Also called: EMERY-DREIFUSS MUSCULAR DYSTROPHY 5. Identifiers: Orphanet 261, MedGen C2751805, MONDO:0013072, OMIM 612999.

Allele frequency attached by ClinVar (database versions not stated): ExAC 0.00001; gnomAD 0.00001.
gnomAD v4.1: 3 of 1,613,654 alleles (0.00019%); highest among the groups gnomAD compares: African/African-American, 0.004%; no homozygotes.

Submission:

Labcorp Genetics (formerly Invitae), Labcorp
Classification: Uncertain significance for Emery-Dreifuss muscular dystrophy 5, autosomal dominant. Last evaluated: 2021-12-26. Review status: criteria provided, single submitter. Criteria: Invitae Variant Classification Sherloc (09022015). Collection method: clinical testing. Allele origin: germline.
Comment: In summary, the available evidence is currently insufficient to determine the role of this variant in disease. Therefore, it has been classified as a Variant of Uncertain Significance. Algorithms developed to predict the effect of missense changes on protein structure and function are either unavailable or do not agree on the potential impact of this missense change (SIFT: "Tolerated"; PolyPhen-2: "Probably Damaging"; Align-GVGD: "Class C0"). This variant has not been reported in the literature in individuals affected with SYNE2-related conditions. This variant is present in population databases (rs763957334, gnomAD 0.007%). This sequence change replaces glutamic acid, which is acidic and polar, with glutamine, which is neutral and polar, at codon 927 of the SYNE2 protein (p.Glu927Gln).

NM_182914.3(SYNE2):c.2779G>C (p.Glu927Gln)

Gene: SYNE2 (spectrin repeat containing nuclear envelope protein 2; plus strand). Cytogenetic location: 14q23.2.
Variant type: single nucleotide variant.
Coding change: c.2779G>C on transcript NM_182914.3 (MANE Select); coding-DNA position 2779, G replaced by C.
Protein change: p.Glu927Gln; replaces glutamic acid 927 with glutamine.
Molecular consequence: missense variant.
Genome position (GRCh38, 1-based): chr14:63,993,967, G>C. VCF-style: chr14-63993967-G-C. GRCh37 (hg19) VCF-style: chr14-64460685-G-C.
Other names: c.2779G>C, p.Glu927Gln (NM_015180.6); short protein forms E927Q.
Identifiers: ClinVar variation 1921577 (VCV001921577.5), dbSNP rs763957334, ClinGen allele CA7219782.